The following is an entry in ClinVar:

NM_001378120.1(MBD5):c.2686C>A (p.His896Asn)

Gene: MBD5 (methyl-CpG binding domain protein 5; plus strand). Cytogenetic location: 2q23.1.
Variant type: single nucleotide variant.
Coding change: c.2686C>A on transcript NM_001378120.1 (MANE Select); coding-DNA position 2686, C replaced by A.
Protein change: p.His896Asn; replaces histidine 896 with asparagine.
Molecular consequence: missense variant.
Genome position (GRCh38, 1-based): chr2:148,483,277, C>A. VCF-style: chr2-148483277-C-A. GRCh37 (hg19) VCF-style: chr2-149240846-C-A.
Other names: c.2686C>A, p.His896Asn (NM_018328.5); short protein forms H896N.
Identifiers: ClinVar variation 2145735 (VCV002145735.6), dbSNP rs757076561, ClinGen allele CA348722480.
Genomic context (GRCh38, chr2:148,483,277, plus strand): 5'-GGAAACCCACTGCAGAGTCAGCTACCCATTGGGAGTGATTTTCCTTTTGTTGGCCAGGAG[C>A]ACGCACTTCATTTTCCATCCAACAGCACTTCAAACAACCATCTTCCACACCCCTTGAACC-3'
Protein context (NP_001365049.1, residues 886-906): GSDFPFVGQE[His896Asn]ALHFPSNSTS

ClinVar aggregate classification (germline): Uncertain significance. Review status: criteria provided, multiple submitters, no conflicts (2 of 4 stars). 2 submissions from 2 submitters: Uncertain significance (2). Last evaluated 2025-07-06.

Conditions:
Intellectual developmental disorder, autosomal dominant 1. Also called: Intellectual disability, autosomal dominant 1; MBD5 Haploinsufficiency. Identifiers: Orphanet 228402, MedGen C1969562, MONDO:0007974, OMIM 156200.

Submissions (2):

Labcorp Genetics (formerly Invitae), Labcorp
Classification: Uncertain significance for Intellectual developmental disorder, autosomal dominant 1. Last evaluated: 2025-07-06. Review status: criteria provided, single submitter. Criteria: Invitae Variant Classification Sherloc (09022015). Collection method: clinical testing. Allele origin: germline.
Comment: This sequence change replaces histidine, which is basic and polar, with asparagine, which is neutral and polar, at codon 896 of the MBD5 protein (p.His896Asn). This variant is not present in population databases (gnomAD no frequency). This variant has not been reported in the literature in individuals affected with MBD5-related conditions. ClinVar contains an entry for this variant (Variation ID: 2145735). Invitae Evidence Modeling of protein sequence and biophysical properties (such as structural, functional, and spatial information, amino acid conservation, physicochemical variation, residue mobility, and thermodynamic stability) indicates that this missense variant is not expected to disrupt MBD5 protein function with a negative predictive value of 80%. In summary, the available evidence is currently insufficient to determine the role of this variant in disease. Therefore, it has been classified as a Variant of Uncertain Significance.

Women's Health and Genetics/Laboratory Corporation of America, LabCorp
Classification: Uncertain significance. Last evaluated: 2024-02-07. Review status: criteria provided, single submitter. Criteria: LabCorp Variant Classification Summary - May 2015. Collection method: clinical testing. Allele origin: germline.
Comment: Variant summary: MBD5 c.2686C>A (p.His896Asn) results in a conservative amino acid change in the encoded protein sequence. Four of five in-silico tools predict a benign effect of the variant on protein function. The variant was absent in 251238 control chromosomes. The available data on variant occurrences in the general population are insufficient to allow any conclusion about variant significance. To our knowledge, no occurrence of c.2686C>A in individuals affected with MBD5 Associated Neurodevelopmental Disorder and no experimental evidence demonstrating its impact on protein function have been reported. ClinVar contains an entry for this variant (Variation ID: 2145735). Based on the evidence outlined above, the variant was classified as uncertain significance.